The following is an entry in ClinVar:

NM_001352027.3(PHF21A):c.1546T>G (p.Leu516Val)

Gene: PHF21A (PHD finger protein 21A; minus strand). Cytogenetic location: 11p11.2.
Variant type: single nucleotide variant.
Coding change: c.1546T>G on transcript NM_001352027.3 (MANE Select); coding-DNA position 1546, T replaced by G.
Protein change: p.Leu516Val; replaces leucine 516 with valine.
Molecular consequence: missense variant. On other transcripts: non-coding transcript variant (2), intron variant (1).
Genome position (GRCh38, 1-based): chr11:45,938,219, A>C on the plus strand (T>G on the coding strand, the complement: PHF21A is on the minus strand). VCF-style: chr11-45938219-A-C. GRCh37 (hg19) VCF-style: chr11-45959770-A-C.
Other names: c.1543T>G, p.Leu515Val (NM_001101802.3); c.1546T>G, p.Leu516Val (NM_001352025.3, NM_001352026.3, NM_001441170.1); c.1405T>G, p.Leu469Val (NM_001352028.1, NM_001352029.1, NM_016621.5); c.1402T>G, p.Leu468Val (NM_001352030.3, NM_001352031.3, NM_001352032.3); c.1567T>G, p.Leu523Val (NM_001441167.1, NM_001441168.1); c.1564T>G, p.Leu522Val (NM_001441169.1); c.1294T>G, p.Leu432Val (NM_001441172.1); c.1450-1650T>G (NM_001441171.1); short protein forms L469V, L468V, L522V, L523V, L432V, L515V, L516V.
Identifiers: ClinVar variation 4741793 (VCV004741793.1).

ClinVar aggregate classification (germline): Uncertain significance (1 of 4 stars; one submission).

Submission:

Labcorp Genetics (formerly Invitae), Labcorp
Classification: Uncertain significance. Last evaluated: 2025-12-03. Review status: criteria provided, single submitter. Criteria: Invitae Variant Classification Sherloc (09022015). Collection method: clinical testing. Allele origin: germline.
Comment: This sequence change replaces leucine, which is neutral and non-polar, with valine, which is neutral and non-polar, at codon 515 of the PHF21A protein (p.Leu515Val). This variant is not present in population databases (gnomAD no frequency). This variant has not been reported in the literature in individuals affected with PHF21A-related conditions. Invitae Evidence Modeling of protein sequence and biophysical properties (such as structural, functional, and spatial information, amino acid conservation, physicochemical variation, residue mobility, and thermodynamic stability) indicates that this missense variant is not expected to disrupt PHF21A protein function with a negative predictive value of 80%. In summary, the available evidence is currently insufficient to determine the role of this variant in disease. Therefore, it has been classified as a Variant of Uncertain Significance.